The following is an entry in ClinVar:

NM_139343.3(BIN1):c.5C>T (p.Ala2Val)

Gene: BIN1 (bridging integrator 1; minus strand). Cytogenetic location: 2q14.3.
Variant type: single nucleotide variant.
Coding change: c.5C>T on transcript NM_139343.3 (MANE Select); coding-DNA position 5, C replaced by T.
Protein change: p.Ala2Val; replaces alanine 2 with valine.
Molecular consequence: missense variant.
Genome position (GRCh38, 1-based): chr2:127,106,939, G>A on the plus strand (C>T on the coding strand, the complement: BIN1 is on the minus strand). VCF-style: chr2-127106939-G-A. GRCh37 (hg19) VCF-style: chr2-127864515-G-A.
Other names: c.5C>T, p.Ala2Val (NM_001320632.2, NM_001320633.2, NM_001320640.2 and 10 more transcripts); short protein forms A2V.
Identifiers: ClinVar variation 1998371 (VCV001998371.4), dbSNP rs1681241176, ClinGen allele CA348376374.

ClinVar aggregate classification (germline): Uncertain significance (1 of 4 stars; one submission).

Conditions:
Myopathy, centronuclear, 2 (CNM2). Also called: MYOTUBULAR MYOPATHY, AUTOSOMAL RECESSIVE. Identifiers: Orphanet 169186, MedGen CN031787, MONDO:0009709, OMIM 255200.

Submission:

Labcorp Genetics (formerly Invitae), Labcorp
Classification: Uncertain significance for Myopathy, centronuclear, 2. Last evaluated: 2022-05-24. Review status: criteria provided, single submitter. Criteria: Invitae Variant Classification Sherloc (09022015). Collection method: clinical testing. Allele origin: germline.
Comment: Algorithms developed to predict the effect of missense changes on protein structure and function are either unavailable or do not agree on the potential impact of this missense change (SIFT: "Deleterious"; PolyPhen-2: "Possibly Damaging"; Align-GVGD: "Class C0"). In summary, the available evidence is currently insufficient to determine the role of this variant in disease. Therefore, it has been classified as a Variant of Uncertain Significance. This variant has not been reported in the literature in individuals affected with BIN1-related conditions. This variant is not present in population databases (gnomAD no frequency). This sequence change replaces alanine, which is neutral and non-polar, with valine, which is neutral and non-polar, at codon 2 of the BIN1 protein (p.Ala2Val).